The following is an entry in ClinVar:

NM_001184.4(ATR):c.3364T>A (p.Tyr1122Asn)

Gene: ATR (ATR checkpoint kinase; minus strand). Cytogenetic location: 3q23.
Variant type: single nucleotide variant.
Coding change: c.3364T>A on transcript NM_001184.4 (MANE Select); coding-DNA position 3364, T replaced by A.
Protein change: p.Tyr1122Asn; replaces tyrosine 1122 with asparagine.
Molecular consequence: missense variant.
Genome position (GRCh38, 1-based): chr3:142,542,751, A>T on the plus strand (T>A on the coding strand, the complement: ATR is on the minus strand). VCF-style: chr3-142542751-A-T. GRCh37 (hg19) VCF-style: chr3-142261593-A-T.
Other names: c.3172T>A, p.Tyr1058Asn (NM_001354579.2); short protein forms Y1122N, Y1058N.
Identifiers: ClinVar variation 1044074 (VCV001044074.9), dbSNP rs1208889130, ClinGen allele CA354809556.

ClinVar aggregate classification (germline): Uncertain significance. Review status: criteria provided, multiple submitters, no conflicts (2 of 4 stars). 4 submissions from 3 submitters: Uncertain significance (4). Last evaluated 2023-02-08.

Conditions:
Inborn genetic diseases. Identifiers: MedGen C0950123, MeSH D030342.
Seckel syndrome 1 (SCKL1). Also called: MICROCEPHALIC PRIMORDIAL DWARFISM I. Identifiers: Orphanet 808, MedGen C4551474, MONDO:0008869, OMIM 210600.
Familial cutaneous telangiectasia and oropharyngeal predisposition cancer syndrome. Identifiers: Orphanet 313846, MedGen C3281203, MONDO:0013806, OMIM 614564.

Allele frequency attached by ClinVar (database versions not stated): gnomAD exomes 0.00001; TOPMed 0.00001.
gnomAD v4.1: 4 of 1,609,884 alleles (0.00025%); highest among the groups gnomAD compares: Admixed American, 0.005%; no homozygotes.

Submissions (4):

Genome-Nilou Lab
Classification: Uncertain significance for Seckel syndrome 1. Last evaluated: 2023-02-08. Review status: criteria provided, single submitter. Criteria: ACMG Guidelines, 2015. Collection method: clinical testing. Allele origin: germline.

Genome-Nilou Lab
Classification: Uncertain significance for Familial cutaneous telangiectasia and oropharyngeal predisposition cancer syndrome. Last evaluated: 2023-02-08. Review status: criteria provided, single submitter. Criteria: ACMG Guidelines, 2015. Collection method: clinical testing. Allele origin: germline.

Labcorp Genetics (formerly Invitae), Labcorp
Classification: Uncertain significance. Last evaluated: 2022-06-28. Review status: criteria provided, single submitter. Criteria: Invitae Variant Classification Sherloc (09022015). Collection method: clinical testing. Allele origin: germline.
Comment: Algorithms developed to predict the effect of missense changes on protein structure and function are either unavailable or do not agree on the potential impact of this missense change (SIFT: "Tolerated"; PolyPhen-2: "Probably Damaging"; Align-GVGD: "Class C0"). In summary, the available evidence is currently insufficient to determine the role of this variant in disease. Therefore, it has been classified as a Variant of Uncertain Significance. ClinVar contains an entry for this variant (Variation ID: 1044074). This variant has not been reported in the literature in individuals affected with ATR-related conditions. This variant is present in population databases (no rsID available, gnomAD 0.009%). This sequence change replaces tyrosine, which is neutral and polar, with asparagine, which is neutral and polar, at codon 1122 of the ATR protein (p.Tyr1122Asn).

Ambry Genetics
Classification: Uncertain significance for Inborn genetic diseases. Last evaluated: 2022-02-07. Review status: criteria provided, single submitter. Criteria: Ambry Variant Classification Scheme 2023. Collection method: clinical testing. Allele origin: germline.
Comment: The p.Y1122N variant (also known as c.3364T>A), located in coding exon 17 of the ATR gene, results from a T to A substitution at nucleotide position 3364. The tyrosine at codon 1122 is replaced by asparagine, an amino acid with dissimilar properties. This amino acid position is conserved. In addition, this alteration is predicted to be deleterious by in silico analysis. Since supporting evidence is limited at this time, the clinical significance of this alteration remains unclear.